The following is an entry in ClinVar:

ClinVar aggregate classification (germline): Conflicting classifications of pathogenicity. Review status: criteria provided, conflicting classifications (1 of 4 stars). 2 submissions from 2 submitters: Uncertain significance (1); Likely benign (1). Last evaluated 2024-07-18.

Allele frequency attached by ClinVar (database versions not stated): gnomAD 0.00001; gnomAD exomes 0.00001 and 0.00002; TOPMed 0.00001.
gnomAD v4.1: 6 of 1,613,924 alleles (0.00037%); highest among the groups gnomAD compares: Admixed American, 0.01%; no homozygotes.

Submissions (2):

GeneDx
Classification: Uncertain significance. Last evaluated: 2024-07-18. Review status: criteria provided, single submitter. Criteria: GeneDx Variant Classification Process June 2021. Collection method: clinical testing. Allele origin: germline. Affected: yes.
Comment: In silico analysis indicates that this missense variant does not alter protein structure/function; Has not been previously published as pathogenic or benign to our knowledge

Labcorp Genetics (formerly Invitae), Labcorp
Classification: Likely benign. Last evaluated: 2024-02-23. Review status: criteria provided, single submitter. Criteria: Invitae Variant Classification Sherloc (09022015). Collection method: clinical testing. Allele origin: germline.

NM_032119.4(ADGRV1):c.1349G>C (p.Arg450Thr)

Gene: ADGRV1 (adhesion G protein-coupled receptor V1; plus strand). Cytogenetic location: 5q14.3.
Variant type: single nucleotide variant.
Coding change: c.1349G>C on transcript NM_032119.4 (MANE Select); coding-DNA position 1349, G replaced by C.
Protein change: p.Arg450Thr; replaces arginine 450 with threonine.
Molecular consequence: missense variant. On other transcripts: non-coding transcript variant (1).
Genome position (GRCh38, 1-based): chr5:90,628,672, G>C. VCF-style: chr5-90628672-G-C. GRCh37 (hg19) VCF-style: chr5-89924489-G-C.
Other names: c.1349G>C (NM_032119.3); short protein forms R450T.
Identifiers: ClinVar variation 1446577 (VCV001446577.7), dbSNP rs1561415183, ClinGen allele CA360372175.